The following is an entry in ClinVar:

ClinVar aggregate classification (germline): Uncertain significance (1 of 4 stars; one submission).

Conditions:
RASopathy. Also called: Noonan spectrum disorder; rasopathies. Identifiers: Orphanet 536391, MedGen C5555857, MONDO:0021060.

Allele frequency attached by ClinVar (database versions not stated): gnomAD 0.00001.
gnomAD v4.1: 1 of 1,611,946 alleles (0.000062%); highest among the groups gnomAD compares: African/African-American, 0.0013%; no homozygotes.

Submission:

Labcorp Genetics (formerly Invitae), Labcorp
Classification: Uncertain significance for RASopathy. Last evaluated: 2021-12-02. Review status: criteria provided, single submitter. Criteria: Invitae Variant Classification Sherloc (09022015). Collection method: clinical testing. Allele origin: germline.
Comment: In summary, the available evidence is currently insufficient to determine the role of this variant in disease. Therefore, it has been classified as a Variant of Uncertain Significance. Algorithms developed to predict the effect of missense changes on protein structure and function (SIFT, PolyPhen-2, Align-GVGD) all suggest that this variant is likely to be tolerated. This variant has not been reported in the literature in individuals affected with SHOC2-related conditions. This variant is not present in population databases (gnomAD no frequency). This sequence change replaces serine, which is neutral and polar, with threonine, which is neutral and polar, at codon 307 of the SHOC2 protein (p.Ser307Thr).

NM_007373.4(SHOC2):c.920G>C (p.Ser307Thr)

Gene: SHOC2 (SHOC2 leucine rich repeat scaffold protein; plus strand). Cytogenetic location: 10q25.2.
Variant type: single nucleotide variant.
Coding change: c.920G>C on transcript NM_007373.4 (MANE Select); coding-DNA position 920, G replaced by C.
Protein change: p.Ser307Thr; replaces serine 307 with threonine.
Molecular consequence: missense variant. On other transcripts: non-coding transcript variant (1).
Genome position (GRCh38, 1-based): chr10:111,000,493, G>C. VCF-style: chr10-111000493-G-C. GRCh37 (hg19) VCF-style: chr10-112760251-G-C.
Other names: c.782G>C, p.Ser261Thr (NM_001269039.3); c.920G>C, p.Ser307Thr (NM_001324336.2, NM_001324337.2); short protein forms S261T, S307T.
Identifiers: ClinVar variation 1371610 (VCV001371610.6), dbSNP rs1848351785, ClinGen allele CA378522708.